The following is an entry in ClinVar:

ClinVar aggregate classification (germline): Likely benign. Review status: criteria provided, multiple submitters, no conflicts (2 of 4 stars). 2 submissions from 2 submitters: Likely benign (2). Last evaluated 2025-03-01.

Conditions:
Acyl-CoA oxidase deficiency. Also called: Pseudoneonatal adrenoleukodystrophy; STRAIGHT-CHAIN ACYL-CoA OXIDASE DEFICIENCY; Peroxisomal acyl-CoA oxidase deficiency. Identifiers: Orphanet 2971, MedGen C1849678, MONDO:0009919, OMIM 264470. Disease mechanism: loss of function.

Allele frequency attached by ClinVar (database versions not stated): gnomAD exomes below 0.00001; TOPMed below 0.00001; ExAC 0.00001; gnomAD 0.00001.
gnomAD v4.1: 6 of 1,614,058 alleles (0.00037%); highest among the groups gnomAD compares: Non-Finnish European, 0.00042%; no homozygotes.

Submissions (2):

CeGaT Center for Human Genetics Tuebingen
Classification: Likely benign. Last evaluated: 2025-03-01. Review status: criteria provided, single submitter. Criteria: CeGaT Center For Human Genetics Tuebingen Variant Classification Criteria Version 2. Collection method: clinical testing. Allele origin: germline. Affected: yes. Observed: 1 variant allele.
Comment: ACOX1: BP4, BP7

Labcorp Genetics (formerly Invitae), Labcorp
Classification: Likely benign for Acyl-CoA oxidase deficiency. Last evaluated: 2023-08-29. Review status: criteria provided, single submitter. Criteria: Invitae Variant Classification Sherloc (09022015). Collection method: clinical testing. Allele origin: germline.

NM_004035.7(ACOX1):c.708C>T (p.Asp236=)

Gene: ACOX1 (acyl-CoA oxidase 1; minus strand). Cytogenetic location: 17q25.1.
Variant type: single nucleotide variant.
Coding change: c.708C>T on transcript NM_004035.7 (MANE Select); coding-DNA position 708, C replaced by T.
Protein change: p.Asp236=; no amino-acid change (aspartic acid 236 retained).
Molecular consequence: synonymous variant.
Genome position (GRCh38, 1-based): chr17:75,955,632, G>A on the plus strand (C>T on the coding strand, the complement: ACOX1 is on the minus strand). VCF-style: chr17-75955632-G-A. GRCh37 (hg19) VCF-style: chr17-73951713-G-A.
Other names: c.594C>T, p.Asp198= (NM_001185039.2); c.708C>T, p.Asp236= (NM_007292.6).
Identifiers: ClinVar variation 1628818 (VCV001628818.16), dbSNP rs754246484, ClinGen allele CA8776941.